The following is an entry in ClinVar:

NM_000918.4(P4HB):c.544A>T (p.Ile182Leu)

Gene: P4HB (prolyl 4-hydroxylase subunit beta; minus strand). Cytogenetic location: 17q25.3.
Variant type: single nucleotide variant.
Coding change: c.544A>T on transcript NM_000918.4 (MANE Select); coding-DNA position 544, A replaced by T.
Protein change: p.Ile182Leu; replaces isoleucine 182 with leucine.
Molecular consequence: missense variant.
Genome position (GRCh38, 1-based): chr17:81,855,222, T>A on the plus strand (A>T on the coding strand, the complement: P4HB is on the minus strand). VCF-style: chr17-81855222-T-A. GRCh37 (hg19) VCF-style: chr17-79813098-T-A.
Other names: c.544A>T (NM_000918.3); short protein forms I182L.
Identifiers: ClinVar variation 2070284 (VCV002070284.5), dbSNP rs1239069610, ClinGen allele CA401515086.

ClinVar aggregate classification (germline): Uncertain significance. Review status: criteria provided, multiple submitters, no conflicts (2 of 4 stars). 2 submissions from 2 submitters: Uncertain significance (2). Last evaluated 2025-07-14.

Conditions:
Inborn genetic diseases. Identifiers: MedGen C0950123, MeSH D030342.

Allele frequency attached by ClinVar (database versions not stated): TOPMed 0.00001.
gnomAD v4.1: 2 of 1,614,048 alleles (0.00012%); highest among the groups gnomAD compares: Admixed American, 0.0033%; no homozygotes.

Submissions (2):

Labcorp Genetics (formerly Invitae), Labcorp
Classification: Uncertain significance. Last evaluated: 2025-07-14. Review status: criteria provided, single submitter. Criteria: Invitae Variant Classification Sherloc (09022015). Collection method: clinical testing. Allele origin: germline.
Comment: This sequence change replaces isoleucine, which is neutral and non-polar, with leucine, which is neutral and non-polar, at codon 182 of the P4HB protein (p.Ile182Leu). This variant is present in population databases (no rsID available, gnomAD 0.003%). This variant has not been reported in the literature in individuals affected with P4HB-related conditions. ClinVar contains an entry for this variant (Variation ID: 2070284). Invitae Evidence Modeling of protein sequence and biophysical properties (such as structural, functional, and spatial information, amino acid conservation, physicochemical variation, residue mobility, and thermodynamic stability) indicates that this missense variant is not expected to disrupt P4HB protein function with a negative predictive value of 80%. In summary, the available evidence is currently insufficient to determine the role of this variant in disease. Therefore, it has been classified as a Variant of Uncertain Significance.

Ambry Genetics
Classification: Uncertain significance for Inborn genetic diseases. Last evaluated: 2024-12-11. Review status: criteria provided, single submitter. Criteria: Ambry Variant Classification Scheme 2023. Collection method: clinical testing. Allele origin: germline.